The following is an entry in ClinVar:

ClinVar aggregate classification (germline): Uncertain significance. Review status: criteria provided, multiple submitters, no conflicts (2 of 4 stars). 7 submissions from 7 submitters: Uncertain significance (7). Last evaluated 2025-09-24.

Conditions:
Hereditary nonpolyposis colorectal neoplasms. Identifiers: MedGen C0009405, MeSH D003123.
Hereditary cancer-predisposing syndrome. Also called: Neoplastic Syndromes, Hereditary; Tumor predisposition; Hereditary Cancer Syndrome; Hereditary neoplastic syndrome. Identifiers: Orphanet 140162, MedGen C0027672, MeSH D009386, MONDO:0015356.
Lynch syndrome. Identifiers: Orphanet 144, MedGen C4552100, MONDO:0005835. Disease mechanism: loss of function.

Allele frequency attached by ClinVar (database versions not stated): gnomAD exomes below 0.00001.
gnomAD v4.1: 2 of 1,612,026 alleles (0.00012%); highest among the groups gnomAD compares: Non-Finnish European, 0.00017%; no homozygotes.

Submissions (7):

Ambry Genetics
Classification: Uncertain significance for Hereditary cancer-predisposing syndrome. Last evaluated: 2025-09-24. Review status: criteria provided, single submitter. Criteria: Ambry Variant Classification Scheme 2023. Collection method: clinical testing. Allele origin: germline.
Comment: The p.K22E variant (also known as c.64A>G), located in coding exon 1 of the MSH6 gene, results from an A to G substitution at nucleotide position 64. The lysine at codon 22 is replaced by glutamic acid, an amino acid with similar properties. This amino acid position is not well conserved in available vertebrate species. In addition, this alteration is predicted to be tolerated by in silico analysis. Based on the available evidence, the clinical significance of this variant remains unclear.

Labcorp Genetics (formerly Invitae), Labcorp
Classification: Uncertain significance for Hereditary nonpolyposis colorectal neoplasms. Last evaluated: 2025-04-14. Review status: criteria provided, single submitter. Criteria: Invitae Variant Classification Sherloc (09022015). Collection method: clinical testing. Allele origin: germline.
Comment: This sequence change replaces lysine, which is basic and polar, with glutamic acid, which is acidic and polar, at codon 22 of the MSH6 protein (p.Lys22Glu). This variant is not present in population databases (gnomAD no frequency). This missense change has been observed in individual(s) with breast cancer (PMID: 35449176). ClinVar contains an entry for this variant (Variation ID: 410429). Invitae Evidence Modeling of protein sequence and biophysical properties (such as structural, functional, and spatial information, amino acid conservation, physicochemical variation, residue mobility, and thermodynamic stability) indicates that this missense variant is not expected to disrupt MSH6 protein function with a negative predictive value of 95%. In summary, the available evidence is currently insufficient to determine the role of this variant in disease. Therefore, it has been classified as a Variant of Uncertain Significance.

Center for Genomic Medicine, Rigshospitalet, Copenhagen University Hospital
Classification: Uncertain significance. Last evaluated: 2025-03-04. Review status: criteria provided, single submitter. Criteria: ACMG Guidelines, 2015. Collection method: clinical testing. Allele origin: germline.

Blueprint Genetics
Classification: Uncertain significance. Last evaluated: 2024-07-03. Review status: criteria provided, single submitter. Criteria: ACMG Guidelines, 2015. Collection method: clinical testing. Allele origin: germline.

All of Us Research Program, National Institutes of Health
Classification: Uncertain significance for Lynch syndrome. Last evaluated: 2024-04-16. Review status: criteria provided, single submitter. Criteria: ACMG Guidelines, 2015. Collection method: clinical testing. Allele origin: germline. Inheritance: Autosomal dominant inheritance. Observed: 2 variant alleles, 2 heterozygotes.
Comment: This missense variant replaces lysine with glutamic acid at codon 22 of the MSH6 protein. Computational prediction suggests that this variant may not impact protein structure and function (internally defined REVEL score threshold <= 0.5, PMID: 27666373). To our knowledge, functional studies have not been reported for this variant. This variant has not been reported in individuals affected with MSH6-related disorders in the literature. This variant has not been identified in the general population by the Genome Aggregation Database (gnomAD). The available evidence is insufficient to determine the role of this variant in disease conclusively. Therefore, this variant is classified as a Variant of Uncertain Significance.

This study involves interpretation of variants in research participants for the purpose of population health screening. Participant phenotype was not available at the time of variant classification. Additional details can be found in publication PMID: 35346344, PMCID: PMC8962531

Color Diagnostics, LLC DBA Color Health
Classification: Uncertain significance for Hereditary cancer-predisposing syndrome. Last evaluated: 2024-03-06. Review status: criteria provided, single submitter. Criteria: ACMG Guidelines, 2015. Collection method: clinical testing. Allele origin: germline.
Comment: This missense variant replaces lysine with glutamic acid at codon 22 of the MSH6 protein. Computational prediction suggests that this variant may not impact protein structure and function (internally defined REVEL score threshold <= 0.5, PMID: 27666373). To our knowledge, functional studies have not been reported for this variant. This variant has not been reported in individuals affected with MSH6-related disorders in the literature. This variant has not been identified in the general population by the Genome Aggregation Database (gnomAD). The available evidence is insufficient to determine the role of this variant in disease conclusively. Therefore, this variant is classified as a Variant of Uncertain Significance.

Quest Diagnostics Nichols Institute San Juan Capistrano
Classification: Uncertain significance. Last evaluated: 2018-06-04. Review status: criteria provided, single submitter. Criteria: Quest Diagnostics criteria. Collection method: clinical testing. Allele origin: germline.

Literature cited by the submitters: PubMed 35449176 (cited by Labcorp Genetics (formerly Invitae), Labcorp).

NM_000179.3(MSH6):c.64A>G (p.Lys22Glu)

Gene: MSH6 (mutS homolog 6; plus strand). Cytogenetic location: 2p16.3.
Variant type: single nucleotide variant.
Coding change: c.64A>G on transcript NM_000179.3 (MANE Select); coding-DNA position 64, A replaced by G.
Protein change: p.Lys22Glu; replaces lysine 22 with glutamic acid.
Molecular consequence: missense variant. On other transcripts: 5 prime UTR variant (1).
Genome position (GRCh38, 1-based): chr2:47,783,297, A>G. VCF-style: chr2-47783297-A-G. GRCh37 (hg19) VCF-style: chr2-48010436-A-G.
Other names: c.64A>G, p.Lys22Glu (NM_001281492.2); c.-673A>G (NM_001281493.2); short protein forms K22E.
Identifiers: ClinVar variation 410429 (VCV000410429.26), dbSNP rs1060502897, ClinGen allele CA16610863.